The following is an entry in ClinVar:

NM_000138.5(FBN1):c.5992T>A (p.Cys1998Ser)

Gene: FBN1 (fibrillin 1; minus strand). Cytogenetic location: 15q21.1.
Variant type: single nucleotide variant.
Coding change: c.5992T>A on transcript NM_000138.5 (MANE Select); coding-DNA position 5992, T replaced by A.
Protein change: p.Cys1998Ser; replaces cysteine 1998 with serine.
Molecular consequence: missense variant.
Genome position (GRCh38, 1-based): chr15:48,444,586, A>T on the plus strand (T>A on the coding strand, the complement: FBN1 is on the minus strand). VCF-style: chr15-48444586-A-T. GRCh37 (hg19) VCF-style: chr15-48736783-A-T.
Other names: c.5992T>A, p.Cys1998Ser (NM_001406716.1); short protein forms C1998S.
Identifiers: ClinVar variation 1325433 (VCV001325433.2), dbSNP rs2141248056, ClinGen allele CA392339710.

ClinVar aggregate classification (germline): Pathogenic (1 of 4 stars; one submission).

Conditions:
Marfan syndrome (MFS). Also called: Marfan syndrome type 1; Marfan's syndrome; FBN1-Related Marfan Syndrome; MARFAN SYNDROME, TYPE I; Marfan syndrome, classic. Identifiers: Orphanet 284963, Orphanet 558, MedGen C0024796, MONDO:0007947, OMIM 154700.

Submission:

Centre of Medical Genetics, University of Antwerp
Classification: Pathogenic for Marfan syndrome. Last evaluated: 2021-03-01. Review status: criteria provided, single submitter. Criteria: Submitter's publication. Collection method: research. Allele origin: unknown. Affected: yes.
Comment: PM2, PVS2, PP4